The following is an entry in ClinVar:

NM_016122.3(CEP83):c.1661A>G (p.Asn554Ser)

Gene: CEP83 (centrosomal protein 83; minus strand). Cytogenetic location: 12q22.
Variant type: single nucleotide variant.
Coding change: c.1661A>G on transcript NM_016122.3 (MANE Select); coding-DNA position 1661, A replaced by G.
Protein change: p.Asn554Ser; replaces asparagine 554 with serine.
Molecular consequence: missense variant. On other transcripts: non-coding transcript variant (2).
Genome position (GRCh38, 1-based): chr12:94,331,746, T>C on the plus strand (A>G on the coding strand, the complement: CEP83 is on the minus strand). VCF-style: chr12-94331746-T-C. GRCh37 (hg19) VCF-style: chr12-94725522-T-C.
Other names: c.1661A>G, p.Asn554Ser (NM_001042399.2, NM_001346457.2, NM_001368037.1 and 1 more transcripts); c.1349A>G, p.Asn450Ser (NM_001346458.2, NM_001346459.2, NM_001368039.1 and 1 more transcripts); c.1436A>G, p.Asn479Ser (NM_001368041.1); short protein forms N554S, N479S, N450S.
Identifiers: ClinVar variation 1986110 (VCV001986110.2), dbSNP rs769583511, ClinGen allele CA6721594.

ClinVar aggregate classification (germline): Uncertain significance (1 of 4 stars; one submission).

Conditions:
Nephronophthisis 18 (NPHP18). Identifiers: Orphanet 655, MedGen C3890591, MONDO:0014374, OMIM 615862.

Allele frequency attached by ClinVar (database versions not stated): gnomAD exomes 0.00001; TOPMed 0.00001; ExAC 0.00002.
gnomAD v4.1: 8 of 1,614,046 alleles (0.0005%); highest among the groups gnomAD compares: South Asian, 0.0022%; no homozygotes.

Submission:

Labcorp Genetics (formerly Invitae), Labcorp
Classification: Uncertain significance for Nephronophthisis 18. Last evaluated: 2022-02-17. Review status: criteria provided, single submitter. Criteria: Invitae Variant Classification Sherloc (09022015). Collection method: clinical testing. Allele origin: germline.
Comment: In summary, the available evidence is currently insufficient to determine the role of this variant in disease. Therefore, it has been classified as a Variant of Uncertain Significance. Algorithms developed to predict the effect of missense changes on protein structure and function output the following: SIFT: "Not Available"; PolyPhen-2: "Benign"; Align-GVGD: "Not Available". The serine amino acid residue is found in multiple mammalian species, which suggests that this missense change does not adversely affect protein function. This variant has not been reported in the literature in individuals affected with CEP83-related conditions. This variant is present in population databases (rs769583511, gnomAD 0.007%). This sequence change replaces asparagine, which is neutral and polar, with serine, which is neutral and polar, at codon 554 of the CEP83 protein (p.Asn554Ser).